The following is an entry in ClinVar:

ClinVar aggregate classification (germline): Uncertain significance. Review status: criteria provided, multiple submitters, no conflicts (2 of 4 stars). 2 submissions from 2 submitters: Uncertain significance (2). Last evaluated 2024-01-09.

Conditions:
Adult hypophosphatasia. Identifiers: Orphanet 247676, Orphanet 436, MedGen C0268413, MONDO:1010154, OMIM 146300, MONDO:0007798.
Childhood hypophosphatasia. Identifiers: Orphanet 247667, Orphanet 436, MedGen C0220743, MONDO:1010168, OMIM 241510, MONDO:0009428.
Infantile hypophosphatasia. Identifiers: Orphanet 247651, Orphanet 436, MedGen C0268412, MONDO:1010169, OMIM 241500, MONDO:0009427.

Allele frequency attached by ClinVar (database versions not stated): ExAC 0.00001.
gnomAD v4.1: 3 of 1,614,032 alleles (0.00019%); highest among the groups gnomAD compares: Non-Finnish European, 0.00025%; no homozygotes.

Submissions (2):

Labcorp Genetics (formerly Invitae), Labcorp
Classification: Uncertain significance. Last evaluated: 2024-01-09. Review status: criteria provided, single submitter. Criteria: Invitae Variant Classification Sherloc (09022015). Collection method: clinical testing. Allele origin: germline.
Comment: This sequence change replaces proline, which is neutral and non-polar, with threonine, which is neutral and polar, at codon 261 of the ALPL protein (p.Pro261Thr). This variant is present in population databases (rs761753019, gnomAD 0.0009%). This variant has not been reported in the literature in individuals affected with ALPL-related conditions. Advanced modeling of protein sequence and biophysical properties (such as structural, functional, and spatial information, amino acid conservation, physicochemical variation, residue mobility, and thermodynamic stability) performed at Invitae indicates that this missense variant is expected to disrupt ALPL protein function with a positive predictive value of 95%. In summary, the available evidence is currently insufficient to determine the role of this variant in disease. Therefore, it has been classified as a Variant of Uncertain Significance.

Department of Pathology and Laboratory Medicine, Sinai Health System
Classification: Uncertain significance for Adult hypophosphatasia; Childhood hypophosphatasia; Infantile hypophosphatasia. Last evaluated: 2022-07-14. Review status: criteria provided, single submitter. Criteria: ACMG Guidelines, 2015. Collection method: research. Allele origin: germline.

NM_000478.6(ALPL):c.781C>A (p.Pro261Thr)

Gene: ALPL (alkaline phosphatase, biomineralization associated; plus strand). Cytogenetic location: 1p36.12.
Variant type: single nucleotide variant.
Coding change: c.781C>A on transcript NM_000478.6 (MANE Select); coding-DNA position 781, C replaced by A.
Protein change: p.Pro261Thr; replaces proline 261 with threonine.
Molecular consequence: missense variant.
Genome position (GRCh38, 1-based): chr1:21,568,236, C>A. VCF-style: chr1-21568236-C-A. GRCh37 (hg19) VCF-style: chr1-21894729-C-A.
Other names: c.616C>A, p.Pro206Thr (NM_001127501.4); c.550C>A, p.Pro184Thr (NM_001177520.3); c.781C>A, p.Pro261Thr (NM_001369803.2, NM_001369804.2, NM_001369805.2); short protein forms P184T, P261T, P206T.
Identifiers: ClinVar variation 2988462 (VCV002988462.4), dbSNP rs761753019, ClinGen allele CA666601.
Genomic context (GRCh38, chr1:21,568,236, plus strand): 5'-AAAGCCAGGGGCACGAGGCTGGACGGCCTGGACCTCGTTGACACCTGGAAGAGCTTCAAA[C>A]CGAGATACAAGGTAGCCTGTGCTGGGGCCATGTGGCTGCAGAGGTGGCCTGTGATGGGGA-3'
Protein context (NP_000469.3, residues 251-271): DLVDTWKSFK[Pro261Thr]RYKHSHFIWN